The following is an entry in ClinVar:

NM_000452.3(SLC10A2):c.762G>A (p.Arg254=)

Gene: SLC10A2 (solute carrier family 10 member 2; minus strand). Cytogenetic location: 13q33.1.
Variant type: single nucleotide variant.
Coding change: c.762G>A on transcript NM_000452.3 (MANE Select); coding-DNA position 762, G replaced by A.
Protein change: p.Arg254=; no amino-acid change (arginine 254 retained).
Molecular consequence: synonymous variant.
Genome position (GRCh38, 1-based): chr13:103,049,446, C>T on the plus strand (G>A on the coding strand, the complement: SLC10A2 is on the minus strand). VCF-style: chr13-103049446-C-T. GRCh37 (hg19) VCF-style: chr13-103701796-C-T.
Identifiers: ClinVar variation 4979458 (VCV004979458.1).

ClinVar aggregate classification (germline): Likely benign (1 of 4 stars; one submission).

Conditions:
SLC10A2-related disorder. Also called: SLC10A2-related condition.

gnomAD v4.1: 10 of 1,613,628 alleles (0.00062%); highest among the groups gnomAD compares: East Asian, 0.0045%; no homozygotes.

Submission:

PreventionGenetics, part of Exact Sciences
Classification: Likely benign for SLC10A2-related condition. Last evaluated: 2026-07-05. Review status: criteria provided, single submitter. Criteria: ACMG Guidelines, 2015. Collection method: clinical testing. Allele origin: germline.
Comment: This variant is classified as likely benign based on ACMG/AMP sequence variant interpretation guidelines (Richards et al. 2015 PMID: 25741868, with internal and published modifications).